The following is an entry in ClinVar:

ClinVar aggregate classification (germline): Conflicting classifications of pathogenicity. Review status: criteria provided, conflicting classifications (1 of 4 stars). 5 submissions from 5 submitters: Uncertain significance (3); Likely benign (2). Last evaluated 2025-07-14.

Conditions:
Rhabdoid tumor predisposition syndrome 2 (RTPS2). Identifiers: Orphanet 231108, Orphanet 69077, MedGen C2750074, MONDO:0013224, OMIM 613325.
Intellectual disability, autosomal dominant 16 (CSS4). Also called: COFFIN-SIRIS SYNDROME 4. Identifiers: Orphanet 1465, MedGen C3553249, MONDO:0013821, OMIM 614609.
Hereditary cancer-predisposing syndrome. Also called: Hereditary neoplastic syndrome; Neoplastic Syndromes, Hereditary; Tumor predisposition; Hereditary Cancer Syndrome. Identifiers: Orphanet 140162, MedGen C0027672, MeSH D009386, MONDO:0015356.

Allele frequency attached by ClinVar (database versions not stated): TOPMed below 0.00001; gnomAD 0.00001; gnomAD exomes 0.00001.
gnomAD v4.1: 10 of 1,587,842 alleles (0.00063%); highest among the groups gnomAD compares: South Asian, 0.0045%; no homozygotes.

Submissions (5):

Labcorp Genetics (formerly Invitae), Labcorp
Classification: Uncertain significance for Rhabdoid tumor predisposition syndrome 2. Last evaluated: 2025-07-14. Review status: criteria provided, single submitter. Criteria: Invitae Variant Classification Sherloc (09022015). Collection method: clinical testing. Allele origin: germline.
Comment: This sequence change replaces alanine, which is neutral and non-polar, with threonine, which is neutral and polar, at codon 321 of the SMARCA4 protein (p.Ala321Thr). The frequency data for this variant in the population databases is considered unreliable, as metrics indicate poor data quality at this position in the gnomAD database. This variant has not been reported in the literature in individuals affected with SMARCA4-related conditions. ClinVar contains an entry for this variant (Variation ID: 470471). Invitae Evidence Modeling of protein sequence and biophysical properties (such as structural, functional, and spatial information, amino acid conservation, physicochemical variation, residue mobility, and thermodynamic stability) indicates that this missense variant is not expected to disrupt SMARCA4 protein function with a negative predictive value of 95%. In summary, the available evidence is currently insufficient to determine the role of this variant in disease. Therefore, it has been classified as a Variant of Uncertain Significance.

Ambry Genetics
Classification: Likely benign for Hereditary cancer-predisposing syndrome. Last evaluated: 2024-07-17. Review status: criteria provided, single submitter. Criteria: Ambry Variant Classification Scheme 2023. Collection method: clinical testing. Allele origin: germline.

Baylor Genetics
Classification: Uncertain significance for Rhabdoid tumor predisposition syndrome 2. Last evaluated: 2024-01-22. Review status: criteria provided, single submitter. Criteria: ACMG Guidelines, 2015. Collection method: clinical testing. Allele origin: unknown.

Genome-Nilou Lab
Classification: Uncertain significance for Intellectual disability, autosomal dominant 16. Last evaluated: 2021-07-15. Review status: criteria provided, single submitter. Criteria: ACMG Guidelines, 2015. Collection method: clinical testing. Allele origin: germline. Affected: no.

Genetic Services Laboratory, University of Chicago
Classification: Likely benign. Last evaluated: 2019-12-09. Review status: criteria provided, single submitter. Criteria: ACMG Guidelines, 2015. Collection method: clinical testing. Allele origin: germline. Affected: no.

NM_003072.5(SMARCA4):c.961G>A (p.Ala321Thr)

Gene: SMARCA4 (SWI/SNF related BAF chromatin remodeling complex subunit ATPase 4; plus strand). Cytogenetic location: 19p13.2.
Variant type: single nucleotide variant.
Coding change: c.961G>A on transcript NM_003072.5 (MANE Select); coding-DNA position 961, G replaced by A.
Protein change: p.Ala321Thr; replaces alanine 321 with threonine.
Molecular consequence: missense variant. On other transcripts: non-coding transcript variant (1).
Genome position (GRCh38, 1-based): chr19:10,987,767, G>A. VCF-style: chr19-10987767-G-A. GRCh37 (hg19) VCF-style: chr19-11098443-G-A.
Other names: c.961G>A, p.Ala321Thr (NM_001128844.3, NM_001128845.2, NM_001128846.2 and 5 more transcripts); short protein forms A321T.
Identifiers: ClinVar variation 470471 (VCV000470471.22), dbSNP rs1344296942, ClinGen allele CA404058532.